The following is an entry in ClinVar:

ClinVar aggregate classification (germline): Pathogenic (1 of 4 stars; one submission).

Conditions:
Glycine encephalopathy 1 (GCE1). Identifiers: MedGen CN376801, MONDO:0958179, OMIM 605899.

Submission:

Myriad Genetics, Inc.
Classification: Pathogenic for Glycine encephalopathy 1. Last evaluated: 2024-04-24. Review status: criteria provided, single submitter. Criteria: Myriad Autosomal Dominant, Autosomal Recessive and X-Linked Classification Criteria (2023). Collection method: clinical testing. Allele origin: unknown.
Comment: NM_000170.2(GLDC):c.375delC(S125Rfs*106) is expected to be pathogenic in the context of glycine encephalopathy, GLDC-related. This variant is predicted to lead to an abnormal or absent protein product due to the creation of a premature termination codon in GLDC, a gene where loss-of-function variants are known to be pathogenic. Please note: this variant was assessed in the context of healthy population screening.

NM_000170.3(GLDC):c.375del (p.Ser125fs)

Gene: GLDC (glycine decarboxylase; minus strand). Cytogenetic location: 9p24.1.
Variant type: Deletion.
Coding change: c.375del on transcript NM_000170.3 (MANE Select); coding-DNA position 375, one base deleted (C; older notation c.375delC).
Protein change: p.Ser125fs; shifts the reading frame from serine 125.
Molecular consequence: frameshift variant.
Genome position (GRCh38, 1-based): chr9:6,620,279, G deleted on the plus strand (C on the coding strand, the reverse complement: GLDC is on the minus strand). VCF-style (leftmost placement, unchanged base first): chr9-6620278-TG-T. GRCh37 (hg19) VCF-style: chr9-6620278-TG-T.
Other names: short protein forms S125fs.
Identifiers: ClinVar variation 5012948 (VCV005012948.1).